The following is an entry in ClinVar:

NM_000540.3(RYR1):c.5891G>A (p.Arg1964His)

Gene: RYR1 (ryanodine receptor 1; plus strand). Cytogenetic location: 19q13.2.
Variant type: single nucleotide variant.
Coding change: c.5891G>A on transcript NM_000540.3 (MANE Select); coding-DNA position 5891, G replaced by A.
Protein change: p.Arg1964His; replaces arginine 1964 with histidine.
Molecular consequence: missense variant.
Genome position (GRCh38, 1-based): chr19:38,490,152, G>A. VCF-style: chr19-38490152-G-A. GRCh37 (hg19) VCF-style: chr19-38980792-G-A.
Other names: c.5891G>A, p.Arg1964His (NM_001042723.2); c.5891G>A (NM_000540.2); short protein forms R1964H.
Identifiers: ClinVar variation 1441339 (VCV001441339.10), dbSNP rs767487116, ClinGen allele CA067541.

ClinVar aggregate classification (germline): Uncertain significance. Review status: criteria provided, multiple submitters, no conflicts (2 of 4 stars). 5 submissions from 5 submitters: Uncertain significance (5). Last evaluated 2025-12-29.

Conditions:
RYR1-related disorder. Also called: RYR1-related condition; RYR1-related disorders. Identifiers: MedGen CN239331.
Malignant hyperthermia, susceptibility to, 1 (MHS1). Also called: RYR1-Related Malignant Hyperthermia Susceptibility; Malignant hyperthermia suceptibility 1; Anesthesia related hyperthermia; Malignant hyperpyrexia; Fulminating hyperpyrexia; Pharmacogenic myopathy. Identifiers: Orphanet 423, MedGen C2930980, MONDO:0007783, OMIM 145600.
Central core myopathy (CMYO1A). Also called: CONGENITAL MYOPATHY 1A, AUTOSOMAL DOMINANT, WITH SUSCEPTIBILITY TO MALIGNANT HYPERTHERMIA; Central core disease; Myopathy, central fibrillar. Identifiers: Orphanet 597, MedGen C5830701, MONDO:0007294, OMIM 117000.
Congenital multicore myopathy with external ophthalmoplegia (CMYO1B). Also called: Congenital myopathy 1B, autosomal recessive; Minicore myopathy; MULTICORE MYOPATHY; MULTIMINICORE DISEASE WITH EXTERNAL OPHTHALMOPLEGIA; Minicore myopathy with external ophthalmoplegia. Identifiers: Orphanet 598, Orphanet 98905, MedGen C1850674, MONDO:0009712, OMIM 255320, HP:0003789.
King Denborough syndrome (KDS). Identifiers: MedGen C1840365, MONDO:0020485, OMIM 619542.
Congenital myopathy with fiber type disproportion. Also called: Congenital fiber-type disproportion; Congenital fiber-type disproportion myopathy. Identifiers: Orphanet 2020, MedGen C0546264, MONDO:0009711. Inheritance: all.
Inborn genetic diseases. Identifiers: MedGen C0950123, MeSH D030342.

Allele frequency attached by ClinVar (database versions not stated): gnomAD exomes 0.00001 and 0.00002; ExAC 0.00002; gnomAD 0.00002 and 0.00003; TOPMed 0.00002.
gnomAD v4.1: 20 of 1,614,104 alleles (0.0012%); highest among the groups gnomAD compares: Admixed American, 0.0083%; no homozygotes.

Submissions (5):

Labcorp Genetics (formerly Invitae), Labcorp
Classification: Uncertain significance for RYR1-related disorder. Last evaluated: 2025-12-29. Review status: criteria provided, single submitter. Criteria: Invitae Variant Classification Sherloc (09022015). Collection method: clinical testing. Allele origin: germline.
Comment: This sequence change replaces arginine, which is basic and polar, with histidine, which is basic and polar, at codon 1964 of the RYR1 protein (p.Arg1964His). This variant is present in population databases (rs767487116, gnomAD 0.01%). This variant has not been reported in the literature in individuals affected with RYR1-related conditions. ClinVar contains an entry for this variant (Variation ID: 1441339). Invitae Evidence Modeling of protein sequence and biophysical properties (such as structural, functional, and spatial information, amino acid conservation, physicochemical variation, residue mobility, and thermodynamic stability) indicates that this missense variant is not expected to disrupt RYR1 protein function with a negative predictive value of 80%. In summary, the available evidence is currently insufficient to determine the role of this variant in disease. Therefore, it has been classified as a Variant of Uncertain Significance.

Color Diagnostics, LLC DBA Color Health
Classification: Uncertain significance for Malignant hyperthermia, susceptibility to, 1. Last evaluated: 2024-02-14. Review status: criteria provided, single submitter. Criteria: ACMG Guidelines, 2015. Collection method: clinical testing. Allele origin: germline.
Comment: This missense variant replaces arginine with histidine at codon 1964 of the RYR1 protein. Computational prediction suggests that this variant may not impact protein structure and function. To our knowledge, functional studies have not been reported for this variant. This variant has not been reported in individuals affected with RYR1-related disorders in the literature. This variant has been identified in 7/282746 chromosomes in the general population by the Genome Aggregation Database (gnomAD). The available evidence is insufficient to determine the role of this variant in disease conclusively. Therefore, this variant is classified as a Variant of Uncertain Significance.

Revvity Omics, Revvity
Classification: Uncertain significance. Last evaluated: 2023-10-04. Review status: criteria provided, single submitter. Criteria: ACMG Guidelines, 2015. Collection method: clinical testing. Allele origin: germline.

Ambry Genetics
Classification: Uncertain significance for Inborn genetic diseases. Last evaluated: 2021-11-08. Review status: criteria provided, single submitter. Criteria: Ambry Variant Classification Scheme 2023. Collection method: clinical testing. Allele origin: germline.

Fulgent Genetics
Classification: Uncertain significance for Central core myopathy; Malignant hyperthermia, susceptibility to, 1; Congenital myopathy 4A, autosomal dominant; Congenital multicore myopathy with external ophthalmoplegia; King Denborough syndrome. Last evaluated: 2021-09-21. Review status: criteria provided, single submitter. Criteria: ACMG Guidelines, 2015. Collection method: clinical testing. Allele origin: unknown.